The following is an entry in ClinVar:

NM_000238.4(KCNH2):c.3050C>T (p.Ala1017Val)

Gene: KCNH2 (potassium voltage-gated channel subfamily H member 2; minus strand). Cytogenetic location: 7q36.1.
Variant type: single nucleotide variant.
Coding change: c.3050C>T on transcript NM_000238.4 (MANE Select); coding-DNA position 3050, C replaced by T.
Protein change: p.Ala1017Val; replaces alanine 1017 with valine.
Molecular consequence: missense variant. On other transcripts: non-coding transcript variant (2).
Genome position (GRCh38, 1-based): chr7:150,947,430, G>A on the plus strand (C>T on the coding strand, the complement: KCNH2 is on the minus strand). VCF-style: chr7-150947430-G-A. GRCh37 (hg19) VCF-style: chr7-150644518-G-A.
Other names: c.2762C>T, p.Ala921Val (NM_001406753.1); c.2030C>T, p.Ala677Val (NM_172057.3); short protein forms A1017V, A677V, A921V.
Identifiers: ClinVar variation 3386880 (VCV003386880.2).

ClinVar aggregate classification (germline): Uncertain significance. Review status: criteria provided, multiple submitters, no conflicts (2 of 4 stars). 2 submissions from 2 submitters: Uncertain significance (2). Last evaluated 2025-11-10.

Conditions:
Long QT syndrome (LQTS). Identifiers: MedGen C0023976, MeSH D008133, MONDO:0002442. Disease mechanism: loss of function. Inheritance: Various modes of inheritance.
Cardiac arrhythmia. Also called: Cardiac rhythm disease; Arrhythmia. Identifiers: MedGen C0003811, MONDO:0007263, HP:0011675.

gnomAD v4.1: 2 of 1,556,422 alleles (0.00013%); highest among the groups gnomAD compares: East Asian, 0.0048%; no homozygotes.

Submissions (2):

Color Diagnostics, LLC DBA Color Health
Classification: Uncertain significance for Cardiac arrhythmia. Last evaluated: 2025-11-10. Review status: criteria provided, single submitter. Criteria: ACMG Guidelines, 2015. Collection method: clinical testing. Allele origin: germline.
Comment: This missense variant replaces alanine with valine at codon 1017 of the KCNH2 protein. Computational prediction is inconclusive regarding the impact of this variant on protein structure and function. To our knowledge, functional studies have not been reported for this variant. This variant has been reported in an individual with epilepsy (PMID: 31696929). This variant has been identified in 2/1556422 chromosomes in the general population by the Genome Aggregation Database (gnomAD). The available evidence is insufficient to determine the role of this variant in disease conclusively. Therefore, this variant is classified as a Variant of Uncertain Significance.

All of Us Research Program, National Institutes of Health
Classification: Uncertain significance for Long QT syndrome. Last evaluated: 2024-04-16. Review status: criteria provided, single submitter. Criteria: ACMG Guidelines, 2015. Collection method: clinical testing. Allele origin: germline. Inheritance: Autosomal dominant inheritance. Observed: 1 variant allele, 1 heterozygote.
Comment: This missense variant replaces alanine with valine at codon 1017 of the KCNH2 protein. Computational prediction is inconclusive regarding the impact of this variant on protein structure and function (internally defined REVEL score threshold 0.5 < inconclusive < 0.7, PMID: 27666373). To our knowledge, functional studies have not been reported for this variant. This variant has been reported in an individual suspected of having epilepsy (PMID: 31696929). This variant has been identified in 3/156554 chromosomes in the general population by the Genome Aggregation Database (gnomAD). The available evidence is insufficient to determine the role of this variant in disease conclusively. Therefore, this variant is classified as a Variant of Uncertain Significance.

This study involves interpretation of variants in research participants for the purpose of population health screening. Participant phenotype was not available at the time of variant classification. Additional details can be found in publication PMID: 35346344, PMCID: PMC8962531

Literature cited by the submitters: PubMed 31696929 (cited by Color Diagnostics, LLC DBA Color Health and All of Us Research Program, National Institutes of Health).